The following is an entry in ClinVar:

NM_033380.3(COL4A5):c.3454+5G>T

Gene: COL4A5 (collagen type IV alpha 5 chain; plus strand). Cytogenetic location: Xq22.3.
Variant type: single nucleotide variant.
Coding change: c.3454+5G>T on transcript NM_033380.3 (MANE Select); 5 bases into the intron after coding-DNA position 3454, G replaced by T.
Molecular consequence: intron variant.
Genome position (GRCh38, 1-based): chrX:108,665,592, G>T. VCF-style: chrX-108665592-G-T. GRCh37 (hg19) VCF-style: chrX-107908822-G-T.
Other names: c.3454+5G>T (NM_000495.5, NM_000495.4).
Identifiers: ClinVar variation 2445873 (VCV002445873.1), dbSNP rs377027508, ClinGen allele CA10489109.
Genomic context (GRCh38, chrX:108,665,592, plus strand): 5'-AGGTATTAGTGGCCCTCCTGGGAACCCCGGCCTTCCAGGAGAACCTGGTCCTGTAGGTAA[G>T]CATGAAAAATAACAGTTTGCTGTTTTATAAAACTAATGTTTATCATATTAAGTTTGGGAA-3'

ClinVar aggregate classification (germline): Uncertain significance (1 of 4 stars; one submission).

Allele frequency attached by ClinVar (database versions not stated): TOPMed 0.00001; ExAC 0.00002; gnomAD 0.00002; ESP Exome Variant Server 0.00009.
gnomAD v4.1: 3 of 1,167,456 alleles (0.00026%); highest among the groups gnomAD compares: African/African-American, 0.0035%; no homozygotes.

Submission:

Women's Health and Genetics/Laboratory Corporation of America, LabCorp
Classification: Uncertain significance. Last evaluated: 2023-02-16. Review status: criteria provided, single submitter. Criteria: LabCorp Variant Classification Summary - May 2015. Collection method: clinical testing. Allele origin: germline.
Comment: Variant summary: COL4A5 c.3454+5G>T alters a nucleotide located close to a canonical splice site and therefore could affect mRNA splicing. Several computational tools predict a significant impact on normal splicing: Three predict the variant weakens a 5' donor site. However, these predictions have yet to be confirmed by functional studies. The variant allele was found at a frequency of 5.7e-06 in 174060 control chromosomes. The available data on variant occurrences in the general population are insufficient to allow any conclusion about variant significance. To our knowledge, no occurrence of c.3454+5G>T in individuals affected with Alport Syndrome 1, X-Linked Recessive and no experimental evidence demonstrating its impact on protein function have been reported. No clinical diagnostic laboratories have submitted clinical-significance assessments for this variant to ClinVar after 2014. Based on the evidence outlined above, the variant was classified as uncertain significance.